The following is an entry in ClinVar:

NM_000264.5(PTCH1):c.3392T>C (p.Val1131Ala)

Gene: PTCH1 (patched 1; minus strand). Cytogenetic location: 9q22.32.
Variant type: single nucleotide variant.
Coding change: c.3392T>C on transcript NM_000264.5 (MANE Select); coding-DNA position 3392, T replaced by C.
Protein change: p.Val1131Ala; replaces valine 1131 with alanine.
Molecular consequence: missense variant. On other transcripts: non-coding transcript variant (1).
Genome position (GRCh38, 1-based): chr9:95,453,535, A>G on the plus strand (T>C on the coding strand, the complement: PTCH1 is on the minus strand). VCF-style: chr9-95453535-A-G. GRCh37 (hg19) VCF-style: chr9-98215817-A-G.
Other names: c.3194T>C, p.Val1065Ala (NM_001083602.3); c.3389T>C, p.Val1130Ala (NM_001083603.3); c.2939T>C, p.Val980Ala (NM_001083604.3, NM_001083605.3, NM_001083606.3 and 1 more transcripts); c.3236T>C, p.Val1079Ala (NM_001354918.2); short protein forms V1065A, V1130A, V980A, V1131A, V1079A.
Identifiers: ClinVar variation 2182243 (VCV002182243.7), dbSNP rs1467320686, ClinGen allele CA374111763.

ClinVar aggregate classification (germline): Conflicting classifications of pathogenicity. Review status: criteria provided, conflicting classifications (1 of 4 stars). 2 submissions from 2 submitters: Uncertain significance (1); Likely benign (1). Last evaluated 2025-05-16.

Conditions:
Hereditary cancer-predisposing syndrome. Also called: Neoplastic Syndromes, Hereditary; Tumor predisposition; Hereditary Cancer Syndrome; Hereditary neoplastic syndrome. Identifiers: Orphanet 140162, MedGen C0027672, MeSH D009386, MONDO:0015356.
Gorlin syndrome. Also called: Basal cell nevus syndrome; Nevoid Basal Cell Carcinoma Syndrome. Identifiers: Orphanet 377, MedGen C0004779, MONDO:0007187.

Allele frequency attached by ClinVar (database versions not stated): gnomAD 0.00001.
gnomAD v4.1: 1 of 1,614,054 alleles (0.000062%); highest among the groups gnomAD compares: Non-Finnish European, 0.000085%; no homozygotes.

Submissions (2):

Ambry Genetics
Classification: Uncertain significance for Hereditary cancer-predisposing syndrome. Last evaluated: 2025-05-16. Review status: criteria provided, single submitter. Criteria: Ambry Variant Classification Scheme 2023. Collection method: clinical testing. Allele origin: germline.
Comment: The p.V1131A variant (also known as c.3392T>C), located in coding exon 20 of the PTCH1 gene, results from a T to C substitution at nucleotide position 3392. The valine at codon 1131 is replaced by alanine, an amino acid with similar properties. This amino acid position is well conserved in available vertebrate species. In addition, this alteration is predicted to be deleterious by in silico analysis. Since supporting evidence is limited at this time, the clinical significance of this alteration remains unclear.

Labcorp Genetics (formerly Invitae), Labcorp
Classification: Likely benign for Gorlin syndrome. Last evaluated: 2022-04-25. Review status: criteria provided, single submitter. Criteria: Invitae Variant Classification Sherloc (09022015). Collection method: clinical testing. Allele origin: germline.